The following is an entry in ClinVar:

ClinVar aggregate classification (germline): Uncertain significance (1 of 4 stars; one submission).

Conditions:
Progressive myoclonic epilepsy type 5. Identifiers: Orphanet 402082, MedGen C5190799.

Submission:

Labcorp Genetics (formerly Invitae), Labcorp
Classification: Uncertain significance for Progressive myoclonic epilepsy type 5. Last evaluated: 2021-03-19. Review status: criteria provided, single submitter. Criteria: Invitae Variant Classification Sherloc (09022015). Collection method: clinical testing. Allele origin: germline.
Comment: This sequence change replaces proline with alanine at codon 749 of the PRICKLE2 protein (p.Pro749Ala). The proline residue is highly conserved and there is a small physicochemical difference between proline and alanine. In summary, the available evidence is currently insufficient to determine the role of this variant in disease. Therefore, it has been classified as a Variant of Uncertain Significance. Algorithms developed to predict the effect of missense changes on protein structure and function (SIFT, PolyPhen-2, Align-GVGD) all suggest that this variant is likely to be tolerated, but these predictions have not been confirmed by published functional studies and their clinical significance is uncertain. This variant has not been reported in the literature in individuals with PRICKLE2-related conditions. This variant is not present in population databases (ExAC no frequency).

NM_198859.4(PRICKLE2):c.2245C>G (p.Pro749Ala)

Genes: PRICKLE2 (prickle planar cell polarity protein 2; minus strand), PRICKLE2-AS1 (PRICKLE2 antisense RNA 1; plus strand). Cytogenetic location: 3p14.1.
Variant type: single nucleotide variant.
Coding change: c.2245C>G on transcript NM_198859.4 (MANE Select); coding-DNA position 2245, C replaced by G.
Protein change: p.Pro749Ala; replaces proline 749 with alanine.
Molecular consequence: missense variant. On other transcripts: non-coding transcript variant (1).
Genome position (GRCh38, 1-based): chr3:64,099,341, G>C on the plus strand (C>G on the coding strand, the complement: PRICKLE2 is on the minus strand). VCF-style: chr3-64099341-G-C. GRCh37 (hg19) VCF-style: chr3-64085017-G-C.
Other names: c.2245C>G, p.Pro749Ala (NM_001370528.1); short protein forms P749A.
Identifiers: ClinVar variation 1517578 (VCV001517578.8), dbSNP rs2106935115, ClinGen allele CA353426456.